The following is an entry in ClinVar:

NM_020436.5(SALL4):c.1358A>T (p.Asn453Ile)

Gene: SALL4 (spalt like transcription factor 4; minus strand). Cytogenetic location: 20q13.2.
Variant type: single nucleotide variant.
Coding change: c.1358A>T on transcript NM_020436.5 (MANE Select); coding-DNA position 1358, A replaced by T.
Protein change: p.Asn453Ile; replaces asparagine 453 with isoleucine.
Molecular consequence: missense variant. On other transcripts: intron variant (1).
Genome position (GRCh38, 1-based): chr20:51,791,125, T>A on the plus strand (A>T on the coding strand, the complement: SALL4 is on the minus strand). VCF-style: chr20-51791125-T-A. GRCh37 (hg19) VCF-style: chr20-50407664-T-A.
Other names: c.1150+208A>T (NM_001318031.2); short protein forms N453I.
Identifiers: ClinVar variation 2781940 (VCV002781940.3), dbSNP rs146644204, ClinGen allele CA409010829.

ClinVar aggregate classification (germline): Uncertain significance (1 of 4 stars; one submission).

Conditions:
Duane-radial ray syndrome (DRRS). Also called: ACRORENOOCULAR SYNDROME; DR SYNDROME; DUANE ANOMALY WITH RADIAL RAY ABNORMALITIES AND DEAFNESS; Okihiro Syndrome; Duane-Radial Ray Syndrome/Okihiro Syndrome; Duane-Radial Ray Syndrome (DRRS) / Okihiro Syndrome. Identifiers: Orphanet 93293, Orphanet 959, MedGen C1623209, MONDO:0011812, OMIM 607323. Disease mechanism: gain of function.

Submission:

Labcorp Genetics (formerly Invitae), Labcorp
Classification: Uncertain significance for Duane-radial ray syndrome. Last evaluated: 2023-11-13. Review status: criteria provided, single submitter. Criteria: Invitae Variant Classification Sherloc (09022015). Collection method: clinical testing. Allele origin: germline.
Comment: This sequence change replaces asparagine, which is neutral and polar, with isoleucine, which is neutral and non-polar, at codon 453 of the SALL4 protein (p.Asn453Ile). This variant is not present in population databases (gnomAD no frequency). This variant has not been reported in the literature in individuals affected with SALL4-related conditions. An algorithm developed to predict the effect of missense changes on protein structure and function (PolyPhen-2) suggests that this variant is likely to be tolerated. In summary, the available evidence is currently insufficient to determine the role of this variant in disease. Therefore, it has been classified as a Variant of Uncertain Significance.